The following is an entry in ClinVar:

ClinVar aggregate classification (germline): Pathogenic (1 of 4 stars; one submission).

Submission:

Labcorp Genetics (formerly Invitae), Labcorp
Classification: Pathogenic. Last evaluated: 2023-07-31. Review status: criteria provided, single submitter. Criteria: Invitae Variant Classification Sherloc (09022015). Collection method: clinical testing. Allele origin: germline.
Comment: For these reasons, this variant has been classified as Pathogenic. This variant has not been reported in the literature in individuals affected with TTC37-related conditions. This variant is not present in population databases (gnomAD no frequency). This sequence change creates a premature translational stop signal (p.Asp173Glufs*51) in the TTC37 gene. It is expected to result in an absent or disrupted protein product. Loss-of-function variants in TTC37 are known to be pathogenic (PMID: 20176027, 21120949).

Literature cited by the submitters: PubMed 20176027; PubMed 21120949.

NM_014639.4(SKIC3):c.517_518dup (p.Asp173fs)

Gene: SKIC3 (SKI3 subunit of superkiller complex; minus strand). Cytogenetic location: 5q15.
Variant type: Duplication.
Coding change: c.517_518dup on transcript NM_014639.4 (MANE Select); coding-DNA positions 517 to 518, 2 bases duplicated (GA; older notation c.517_518dupGA).
Protein change: p.Asp173fs; shifts the reading frame from aspartic acid 173.
Molecular consequence: frameshift variant.
Genome position (GRCh38, 1-based): chr5:95,540,715-95,540,716, TC duplicated on the plus strand (GA on the coding strand, the reverse complement: SKIC3 is on the minus strand). VCF-style (leftmost placement, unchanged base first): chr5-95540714-G-GTC. GRCh37 (hg19) VCF-style: chr5-94876418-G-GTC.
Other names: short protein forms D173fs.
Identifiers: ClinVar variation 2748920 (VCV002748920.3), dbSNP rs2530802395, ClinGen allele CA2697546359.